The following is an entry in ClinVar:

NM_058216.3(RAD51C):c.904+8A>G

Gene: RAD51C (RAD51 paralog C; plus strand). Cytogenetic location: 17q22.
Variant type: single nucleotide variant.
Coding change: c.904+8A>G on transcript NM_058216.3 (MANE Select); 8 bases into the intron after coding-DNA position 904, A replaced by G.
Molecular consequence: intron variant.
Genome position (GRCh38, 1-based): chr17:58,720,820, A>G. VCF-style: chr17-58720820-A-G. GRCh37 (hg19) VCF-style: chr17-56798181-A-G.
Identifiers: ClinVar variation 1531026 (VCV001531026.9), dbSNP rs2048894791, ClinGen allele CA985037695.

ClinVar aggregate classification (germline): Likely benign. Review status: criteria provided, multiple submitters, no conflicts (2 of 4 stars). 2 submissions from 2 submitters: Likely benign (2). Last evaluated 2025-02-19.

Conditions:
Fanconi anemia complementation group O. Also called: RAD51C-Related Fanconi Anemia. Identifiers: Orphanet 84, MedGen C3150653, MONDO:0013248, OMIM 613390.
Breast-ovarian cancer, familial, susceptibility to, 3. Also called: RAD51C-Related Breast/Ovarian Cancer. Identifiers: Orphanet 145, MedGen C3150659, MONDO:0013253, OMIM 613399.

Allele frequency attached by ClinVar (database versions not stated): gnomAD 0.00001.
gnomAD v4.1: 1 of 1,599,196 alleles (0.000063%); highest among the groups gnomAD compares: Admixed American, 0.0017%; no homozygotes.

Submissions (2):

Myriad Genetics, Inc.
Classification: Likely benign for Breast-ovarian cancer, familial, susceptibility to, 3. Last evaluated: 2025-02-19. Review status: criteria provided, single submitter. Criteria: Myriad Autosomal Dominant, Autosomal Recessive and X-Linked Classification Criteria (2023). Collection method: clinical testing. Allele origin: unknown.
Comment: This variant is considered likely benign. This variant is intronic and is not expected to impact mRNA splicing.

Labcorp Genetics (formerly Invitae), Labcorp
Classification: Likely benign for Fanconi anemia complementation group O. Last evaluated: 2022-11-15. Review status: criteria provided, single submitter. Criteria: Invitae Variant Classification Sherloc (09022015). Collection method: clinical testing. Allele origin: germline.